The following is an entry in ClinVar:

ClinVar aggregate classification (germline): not provided (0 of 4 stars; one submission).

Conditions:
Carcinoma of colon (CRC). Also called: Colonic carcinoma; Colon carcinoma. Identifiers: MedGen C0699790, MONDO:0002032.

Submission:

Immunobiology Lab; University of Kashmir
No classification provided. Condition: Carcinoma of colon. Review status: no classification provided. Collection method: not provided. Allele origin: somatic.
ClinVar note: Converted during submission from untested to not provided.

NM_002019.4(FLT1):c.3042_3043insA (p.Ser1015fs)

Genes: FLT1 (fms related receptor tyrosine kinase 1; minus strand), LOC126861720 (BRD4-independent group 4 enhancer GRCh37_chr13:28896366-28897565; plus strand). Cytogenetic location: 13q12.3.
Variant type: Insertion.
Coding change: c.3042_3043insA on transcript NM_002019.4 (MANE Select); coding-DNA positions 3042 to 3043, A inserted.
Protein change: p.Ser1015fs; shifts the reading frame from serine 1015.
Molecular consequence: frameshift variant.
Genome position: GRCh38 VCF-style: chr13-28322270-A-AT. GRCh37 (hg19) VCF-style: chr13-28896407-A-AT.
Other names: short protein forms S1015fs.
Identifiers: ClinVar variation 162074 (VCV000162074.2), dbSNP rs573848371, ClinGen allele CA251195.